The following is an entry in ClinVar:

NM_024675.4(PALB2):c.3311G>A (p.Gly1104Asp)

Gene: PALB2 (partner and localizer of BRCA2; minus strand). Cytogenetic location: 16p12.2.
Variant type: single nucleotide variant.
Coding change: c.3311G>A on transcript NM_024675.4 (MANE Select); coding-DNA position 3311, G replaced by A.
Protein change: p.Gly1104Asp; replaces glycine 1104 with aspartic acid.
Molecular consequence: missense variant.
Genome position (GRCh38, 1-based): chr16:23,607,903, C>T on the plus strand (G>A on the coding strand, the complement: PALB2 is on the minus strand). VCF-style: chr16-23607903-C-T. GRCh37 (hg19) VCF-style: chr16-23619224-C-T.
Other names: short protein forms G1104D.
Identifiers: ClinVar variation 460988 (VCV000460988.18), dbSNP rs1060502798, ClinGen allele CA395139450.

ClinVar aggregate classification (germline): Uncertain significance. Review status: criteria provided, multiple submitters, no conflicts (2 of 4 stars). 3 submissions from 3 submitters: Uncertain significance (3). Last evaluated 2025-12-07.

Conditions:
Hereditary cancer-predisposing syndrome. Also called: Neoplastic Syndromes, Hereditary; Hereditary Cancer Syndrome; Hereditary neoplastic syndrome; Tumor predisposition. Identifiers: Orphanet 140162, MedGen C0027672, MeSH D009386, MONDO:0015356.
Familial cancer of breast. Also called: BREAST CANCER, FAMILIAL; Hereditary breast cancer; hereditary breast carcinoma. Identifiers: Orphanet 227535, MedGen C0346153, MONDO:0016419, OMIM 114480. Disease mechanism: loss of function.

Allele frequency attached by ClinVar (database versions not stated): gnomAD 0.00003.
gnomAD v4.1: 3 of 1,614,072 alleles (0.00019%); highest among the groups gnomAD compares: Non-Finnish European, 0.00025%; no homozygotes.

Submissions (3):

Ambry Genetics
Classification: Uncertain significance for Hereditary cancer-predisposing syndrome. Last evaluated: 2025-12-07. Review status: criteria provided, single submitter. Criteria: Ambry Variant Classification Scheme 2023. Collection method: clinical testing. Allele origin: germline.
Comment: The p.G1104D variant (also known as c.3311G>A), located in coding exon 12 of the PALB2 gene, results from a G to A substitution at nucleotide position 3311. The glycine at codon 1104 is replaced by aspartic acid, an amino acid with similar properties. This amino acid position is well conserved in available vertebrate species. In addition, this alteration is predicted to be tolerated by in silico analysis. Since supporting evidence is limited at this time, the clinical significance of this alteration remains unclear.

Labcorp Genetics (formerly Invitae), Labcorp
Classification: Uncertain significance for Familial cancer of breast. Last evaluated: 2025-03-26. Review status: criteria provided, single submitter. Criteria: Invitae Variant Classification Sherloc (09022015). Collection method: clinical testing. Allele origin: germline.
Comment: This sequence change replaces glycine, which is neutral and non-polar, with aspartic acid, which is acidic and polar, at codon 1104 of the PALB2 protein (p.Gly1104Asp). This variant is present in population databases (no rsID available, gnomAD 0.0009%). This variant has not been reported in the literature in individuals affected with PALB2-related conditions. ClinVar contains an entry for this variant (Variation ID: 460988). An algorithm developed to predict the effect of missense changes on protein structure and function outputs the following: PolyPhen-2: "Benign". The aspartic acid amino acid residue is found in multiple mammalian species, which suggests that this missense change does not adversely affect protein function. In summary, the available evidence is currently insufficient to determine the role of this variant in disease. Therefore, it has been classified as a Variant of Uncertain Significance.

Baylor Genetics
Classification: Uncertain significance for Familial cancer of breast. Last evaluated: 2024-03-27. Review status: criteria provided, single submitter. Criteria: ACMG Guidelines, 2015. Collection method: clinical testing. Allele origin: unknown.